The following is an entry in ClinVar:

NM_000216.4(ANOS1):c.486A>C (p.Lys162Asn)

Gene: ANOS1 (anosmin 1; minus strand). Cytogenetic location: Xp22.31.
Variant type: single nucleotide variant.
Coding change: c.486A>C on transcript NM_000216.4 (MANE Select); coding-DNA position 486, A replaced by C.
Protein change: p.Lys162Asn; replaces lysine 162 with asparagine.
Molecular consequence: missense variant.
Genome position (GRCh38, 1-based): chrX:8,597,089, T>G on the plus strand (A>C on the coding strand, the complement: ANOS1 is on the minus strand). VCF-style: chrX-8597089-T-G. GRCh37 (hg19) VCF-style: chrX-8565130-T-G.
Other names: short protein forms K162N.
Identifiers: ClinVar variation 2000508 (VCV002000508.4), dbSNP rs2518500163, ClinGen allele CA412024915.
Genomic context (GRCh38, chrX:8,597,089, plus strand): 5'-CTTACCTTTGTACAGAGTCTTGGGTACTTGACAGGTGTGTCCACACCCATTCGAACAACA[T>G]TTCTTCACCCCAGAGCACTCATTGTCAACTTCGCAGCTTTCAACACAGGCGGCCGCAAAT-3'
Protein context (NP_000207.2, residues 152-172): EVDNECSGVK[Lys162Asn]CCSNGCGHTC

ClinVar aggregate classification (germline): Uncertain significance (1 of 4 stars; one submission).

Conditions:
Hypogonadotropic hypogonadism 1 with or without anosmia (HH1). Also called: Kallmann syndrome, type 1, X-linked; DYSPLASIA OLFACTOGENITALIS OF DE MORSIER; HYPOGONADOTROPIC HYPOGONADISM 1 WITH ANOSMIA; HYPOGONADOTROPIC HYPOGONADISM AND ANOSMIA; KAL1-Related GnRH Deficiency (Kallmann Syndrome 1; Kallmann Syndrome, X-Linked); Hypogonadotropic hypogonadism 1 with or without anosmia (Kallmann syndrome 1). Identifiers: Orphanet 478, MedGen C1563719, MONDO:0010635, OMIM 308700. Disease mechanism: loss of function.

Submission:

Labcorp Genetics (formerly Invitae), Labcorp
Classification: Uncertain significance for Hypogonadotropic hypogonadism 1 with or without anosmia. Last evaluated: 2023-04-14. Review status: criteria provided, single submitter. Criteria: Invitae Variant Classification Sherloc (09022015). Collection method: clinical testing. Allele origin: germline.
Comment: In summary, the available evidence is currently insufficient to determine the role of this variant in disease. Therefore, it has been classified as a Variant of Uncertain Significance. Advanced modeling of protein sequence and biophysical properties (such as structural, functional, and spatial information, amino acid conservation, physicochemical variation, residue mobility, and thermodynamic stability) performed at Invitae indicates that this missense variant is expected to disrupt ANOS1 protein function. ClinVar contains an entry for this variant (Variation ID: 2000508). This variant has not been reported in the literature in individuals affected with ANOS1-related conditions. This variant is not present in population databases (gnomAD no frequency). This sequence change replaces lysine, which is basic and polar, with asparagine, which is neutral and polar, at codon 162 of the ANOS1 protein (p.Lys162Asn).